The following is an entry in ClinVar:

NM_004612.4(TGFBR1):c.627A>C (p.Glu209Asp)

Gene: TGFBR1 (transforming growth factor beta receptor 1; plus strand). Cytogenetic location: 9q22.33.
Variant type: single nucleotide variant.
Coding change: c.627A>C on transcript NM_004612.4 (MANE Select); coding-DNA position 627, A replaced by C.
Protein change: p.Glu209Asp; replaces glutamic acid 209 with aspartic acid.
Molecular consequence: missense variant. On other transcripts: non-coding transcript variant (4), intron variant (2).
Genome position (GRCh38, 1-based): chr9:99,137,911, A>C. VCF-style: chr9-99137911-A-C. GRCh37 (hg19) VCF-style: chr9-101900193-A-C.
Other names: c.396A>C, p.Glu132Asp (NM_001130916.3); c.639A>C, p.Glu213Asp (NM_001306210.2, NM_001407416.1); c.627A>C, p.Glu209Asp (NM_001407417.1); c.432A>C, p.Glu144Asp (NM_001407418.1, NM_001407419.1, NM_001407420.1 and 1 more transcripts); c.420A>C, p.Glu140Asp (NM_001407423.1, NM_001407424.1, NM_001407425.1 and 8 more transcripts); c.381A>C, p.Glu127Asp (NM_001407436.1); c.150A>C, p.Glu50Asp (NM_001407438.1); c.575-4625A>C (NM_001407435.1); and 1 more; short protein forms E144D, E140D, E213D, E132D, E209D, E127D, E50D.
Identifiers: ClinVar variation 4183581 (VCV004183581.2).
Genomic context (GRCh38, chr9:99,137,911, plus strand): 5'-ACCTTTAGGTTTACCATTGCTTGTTCAGAGAACAATTGCGAGAACTATTGTGTTACAAGA[A>C]AGCATTGGCAAAGGTCGATTTGGAGAAGTTTGGAGAGGAAAGTGGCGGGGAGAAGAAGTT-3'
Protein context (NP_004603.1, residues 199-219): RTIARTIVLQ[Glu209Asp]SIGKGRFGEV

ClinVar aggregate classification (germline): Uncertain significance. Review status: criteria provided, multiple submitters, no conflicts (2 of 4 stars). 2 submissions from 2 submitters: Uncertain significance (2). Last evaluated 2025-09-30.

Conditions:
Familial thoracic aortic aneurysm and aortic dissection (TAAD). Also called: Thoracic aortic aneurysms and dissections. Identifiers: Orphanet 91387, MedGen C4707243, MONDO:0019625.

gnomAD v4.1: 1 of 1,614,094 alleles (0.000062%); highest among the groups gnomAD compares: Non-Finnish European, 0.000085%; no homozygotes.

Submissions (2):

Labcorp Genetics (formerly Invitae), Labcorp
Classification: Uncertain significance for Familial thoracic aortic aneurysm and aortic dissection. Last evaluated: 2025-09-30. Review status: criteria provided, single submitter. Criteria: Invitae Variant Classification Sherloc (09022015). Collection method: clinical testing. Allele origin: germline.
Comment: This sequence change replaces glutamic acid, which is acidic and polar, with aspartic acid, which is acidic and polar, at codon 209 of the TGFBR1 protein (p.Glu209Asp). This variant is not present in population databases (gnomAD no frequency). This variant has not been reported in the literature in individuals affected with TGFBR1-related conditions. Invitae Evidence Modeling of protein sequence and biophysical properties (such as structural, functional, and spatial information, amino acid conservation, physicochemical variation, residue mobility, and thermodynamic stability) indicates that this missense variant is not expected to disrupt TGFBR1 protein function with a negative predictive value of 80%. In summary, the available evidence is currently insufficient to determine the role of this variant in disease. Therefore, it has been classified as a Variant of Uncertain Significance.

Ambry Genetics
Classification: Uncertain significance for Familial thoracic aortic aneurysm and aortic dissection. Last evaluated: 2025-08-01. Review status: criteria provided, single submitter. Criteria: Ambry Variant Classification Scheme 2023. Collection method: clinical testing. Allele origin: germline.